The following is an entry in ClinVar:

NM_001378454.1(ALMS1):c.6091A>G (p.Ile2031Val)

Gene: ALMS1 (ALMS1 centrosome and basal body associated protein; plus strand). Cytogenetic location: 2p13.1.
Variant type: single nucleotide variant.
Coding change: c.6091A>G on transcript NM_001378454.1 (MANE Select); coding-DNA position 6091, A replaced by G.
Protein change: p.Ile2031Val; replaces isoleucine 2031 with valine.
Molecular consequence: missense variant.
Genome position (GRCh38, 1-based): chr2:73,452,618, A>G. VCF-style: chr2-73452618-A-G. GRCh37 (hg19) VCF-style: chr2-73679745-A-G.
Other names: c.6094A>G, p.Ile2032Val (NM_015120.4); short protein forms I2031V, I2032V.
Identifiers: ClinVar variation 1751521 (VCV001751521.3), dbSNP rs762872999, ClinGen allele CA1714003.
Genomic context (GRCh38, chr2:73,452,618, plus strand): 5'-TTTCCAGCAGCTACCCTTAGTTCCTACTCACAAATAGAGAAGCCCAAGATTTCAACTGTG[A>G]TTGGACCAAATGACCAGAAGACTCCATCCCAGACAGCTTTTCATAGTTCCTATTCTCAAA-3'
Protein context (NP_001365383.1, residues 2021-2041): QIEKPKISTV[Ile2031Val]GPNDQKTPSQ

ClinVar aggregate classification (germline): Uncertain significance. Review status: criteria provided, single submitter (1 of 4 stars). 2 submissions from 2 submitters: Uncertain significance (1). 1 of the submissions does not count toward it. Last evaluated 2022-01-04.

Conditions:
Alstrom syndrome (ALMS). Identifiers: Orphanet 64, MedGen C0268425, MONDO:0008763, OMIM 203800.
Cardiovascular phenotype. Identifiers: MedGen CN230736.

Allele frequency attached by ClinVar (database versions not stated): ExAC 0.00002.
gnomAD v4.1: 27 of 1,614,052 alleles (0.0017%); highest among the groups gnomAD compares: Non-Finnish European, 0.0023%; no homozygotes.

Submissions (2):

Ambry Genetics
Classification: Uncertain significance for Cardiovascular phenotype. Last evaluated: 2022-01-04. Review status: criteria provided, single submitter. Criteria: Ambry Variant Classification Scheme 2023. Collection method: clinical testing. Allele origin: germline.
Comment: The p.I2032V variant (also known as c.6094A>G), located in coding exon 8 of the ALMS1 gene, results from an A to G substitution at nucleotide position 6094. The isoleucine at codon 2032 is replaced by valine, an amino acid with highly similar properties. This amino acid position is well conserved in available vertebrate species. In addition, this alteration is predicted to be tolerated by in silico analysis. Since supporting evidence is limited at this time, the clinical significance of this alteration remains unclear.

Natera, Inc.
Classification: Uncertain significance for Alstrom syndrome. Last evaluated: 2025-04-10. Review status: no assertion criteria provided. Collection method: clinical testing. Allele origin: germline. Not counted in ClinVar's aggregate classification.